The following is an entry in ClinVar:

ClinVar aggregate classification (germline): Pathogenic. Review status: criteria provided, multiple submitters, no conflicts (2 of 4 stars). 2 submissions from 2 submitters: Pathogenic (2). Last evaluated 2025-09-04.

Conditions:
Hereditary cancer-predisposing syndrome. Also called: Hereditary Cancer Syndrome; Hereditary neoplastic syndrome; Tumor predisposition; Neoplastic Syndromes, Hereditary. Identifiers: Orphanet 140162, MedGen C0027672, MeSH D009386, MONDO:0015356.
Lynch syndrome 5 (LYNCH5). Also called: Hereditary non-polyposis colorectal cancer, type 5; Colorectal cancer, hereditary nonpolyposis, type 5. Identifiers: Orphanet 144, MedGen C1833477, MONDO:0013710, OMIM 614350. Disease mechanism: loss of function.

Submissions (2):

Myriad Genetics, Inc.
Classification: Pathogenic for Lynch syndrome 5. Last evaluated: 2025-09-04. Review status: criteria provided, single submitter. Criteria: Myriad Autosomal Dominant, Autosomal Recessive and X-Linked Classification Criteria (2023). Collection method: clinical testing. Allele origin: unknown.
Comment: This variant is considered pathogenic. This variant creates a frameshift predicted to result in premature protein truncation.

Ambry Genetics
Classification: Pathogenic for Hereditary cancer-predisposing syndrome. Last evaluated: 2017-03-20. Review status: criteria provided, single submitter. Criteria: Ambry Variant Classification Scheme 2023. Collection method: clinical testing. Allele origin: germline.
Comment: The c.2528_2529delTA pathogenic mutation, located in coding exon 4 of the MSH6 gene, results from a deletion of two nucleotides at nucleotide positions 2528 to 2529, causing a translational frameshift with a predicted alternate stop codon (p.I843Nfs*3). This alteration is expected to result in loss of function by premature protein truncation or nonsense-mediated mRNA decay. As such, this alteration is interpreted as a disease-causing mutation.

NM_000179.3(MSH6):c.2528_2529del (p.Ile843fs)

Gene: MSH6 (mutS homolog 6; plus strand). Cytogenetic location: 2p16.3.
Variant type: Microsatellite.
Coding change: c.2528_2529del on transcript NM_000179.3 (MANE Select); coding-DNA positions 2528 to 2529, 2 bases deleted (TA; older notation c.2528_2529delTA).
Protein change: p.Ile843fs; shifts the reading frame from isoleucine 843.
Molecular consequence: frameshift variant.
Genome position (GRCh38, 1-based): chr2:47,800,511-47,800,512, TA deleted; deleting any 2 consecutive bases within chr2:47,800,509-47,800,512 gives the same sequence; the c. name uses the placement nearest the transcript's 3' end. VCF-style (leftmost placement, unchanged base first): chr2-47800508-CTA-C. GRCh37 (hg19) VCF-style: chr2-48027647-CTA-C.
Other names: c.2526_2527TA[1], p.Ile843Asnfs (NM_000179.2, NM_001406796.1, NM_001406798.1 and 3 more transcripts); c.2138_2139del, p.Ile713fs (NM_001281492.2); c.1622_1623del, p.Ile541fs (NM_001281493.2, NM_001281494.2); c.2622_2623TA[1], p.Ile875Asnfs (NM_001406795.1, NM_001406802.1); c.2229_2230TA[1], p.Ile744Asnfs (NM_001406797.1, NM_001406801.1, NM_001406805.1 and 10 more transcripts); c.2001_2002TA[1], p.Ile668Asnfs (NM_001406799.1, NM_001406806.1, NM_001406807.1); c.2448_2449TA[1], p.Ile817Asnfs (NM_001406804.1); c.1620_1621TA[1], p.Ile541Asnfs (NM_001406811.1, NM_001406812.1, NM_001406814.1 and 4 more transcripts); and 3 more; short protein forms I843fs, I713fs, I541fs.
Identifiers: ClinVar variation 1792611 (VCV001792611.3), dbSNP rs2530677824, ClinGen allele CA2580611375.
Genomic context (GRCh38, chr2:47,800,508, plus strand): 5'-TCAGTAAAATTCATAATGTTGGGTCTCCCCTGAAGAGTCAGAACCACCCAGACAGCAGGG[CTA>C]TAATGTATGAAGAAACTACATACAGCAAGAAGAAGATTATTGATTTTCTTTCTGCTCTGG-3'